The following is an entry in ClinVar:

ClinVar aggregate classification (germline): Likely benign. Review status: criteria provided, multiple submitters, no conflicts (2 of 4 stars). 3 submissions from 3 submitters: Likely benign (2). 1 of the submissions does not count toward it. Last evaluated 2025-02-05.

Conditions:
Aortic aneurysm, familial thoracic 4 (AAT4). Also called: AORTIC ANEURYSM/AORTIC DISSECTION AND PATENT DUCTUS ARTERIOSUS. Identifiers: MedGen C1851504, MONDO:0007568, OMIM 132900.
Familial thoracic aortic aneurysm and aortic dissection (TAAD). Also called: Thoracic aortic aneurysms and dissections. Identifiers: Orphanet 91387, MedGen C4707243, MONDO:0019625.
MYH11-related disorder. Also called: MYH11-related condition.

Allele frequency attached by ClinVar (database versions not stated): TOPMed below 0.00001; gnomAD 0.00001; gnomAD exomes 0.00010; ExAC 0.00013.
gnomAD v4.1: 80 of 1,613,742 alleles (0.005%); highest among the groups gnomAD compares: South Asian, 0.083%; no homozygotes.

Submissions (3):

Labcorp Genetics (formerly Invitae), Labcorp
Classification: Likely benign for Aortic aneurysm, familial thoracic 4. Last evaluated: 2025-02-05. Review status: criteria provided, single submitter. Criteria: Invitae Variant Classification Sherloc (09022015). Collection method: clinical testing. Allele origin: germline.

Color Diagnostics, LLC DBA Color Health
Classification: Likely benign for Familial thoracic aortic aneurysm and aortic dissection. Last evaluated: 2023-11-27. Review status: criteria provided, single submitter. Criteria: ACMG Guidelines, 2015. Collection method: clinical testing. Allele origin: germline.

PreventionGenetics, part of Exact Sciences
Classification: Likely benign for MYH11-related condition. Last evaluated: 2021-03-30. Review status: no assertion criteria provided. Collection method: clinical testing. Allele origin: germline. Not counted in ClinVar's aggregate classification.
Comment: This variant is classified as likely benign based on ACMG/AMP sequence variant interpretation guidelines (Richards et al. 2015 PMID: 25741868, with internal and published modifications).

NM_002474.3(MYH11):c.633+1906C>T

Gene: MYH11 (myosin heavy chain 11; minus strand). Cytogenetic location: 16p13.11.
Variant type: single nucleotide variant.
Coding change: c.633+1906C>T on transcript NM_002474.3 (MANE Select); 1906 bases into the intron after coding-DNA position 633, C replaced by T.
Molecular consequence: intron variant.
Genome position (GRCh38, 1-based): chr16:15,784,724, G>A on the plus strand (C>T on the coding strand, the complement: MYH11 is on the minus strand). VCF-style: chr16-15784724-G-A. GRCh37 (hg19) VCF-style: chr16-15878581-G-A.
Other names: c.633+1906C>T (NM_022844.3); c.634-6C>T (NM_001040114.2, NM_001040113.2, NM_001040113.1).
Identifiers: ClinVar variation 1099050 (VCV001099050.12), dbSNP rs775895834, ClinGen allele CA7922886.